The following is an entry in ClinVar:

NM_003664.5(AP3B1):c.3214A>G (p.Ile1072Val)

Gene: AP3B1 (adaptor related protein complex 3 subunit beta 1; minus strand). Cytogenetic location: 5q14.1.
Variant type: single nucleotide variant.
Coding change: c.3214A>G on transcript NM_003664.5 (MANE Select); coding-DNA position 3214, A replaced by G.
Protein change: p.Ile1072Val; replaces isoleucine 1072 with valine.
Molecular consequence: missense variant.
Genome position (GRCh38, 1-based): chr5:78,002,973, T>C on the plus strand (A>G on the coding strand, the complement: AP3B1 is on the minus strand). VCF-style: chr5-78002973-T-C. GRCh37 (hg19) VCF-style: chr5-77298797-T-C.
Other names: c.3067A>G, p.Ile1023Val (NM_001271769.2); short protein forms I1023V, I1072V.
Identifiers: ClinVar variation 1057159 (VCV001057159.8), dbSNP rs760735640, ClinGen allele CA3316526.

ClinVar aggregate classification (germline): Uncertain significance (1 of 4 stars; one submission).

Conditions:
Hermansky-Pudlak syndrome 2 (HPS2). Also called: Platelet defects and oculocutaneous albinism. Identifiers: Orphanet 183678, Orphanet 79430, MedGen C1842362, MONDO:0011997, OMIM 608233.

Allele frequency attached by ClinVar (database versions not stated): ExAC 0.00001; gnomAD 0.00001; gnomAD exomes 0.00001; TOPMed 0.00001.
gnomAD v4.1: 12 of 1,614,098 alleles (0.00074%); highest among the groups gnomAD compares: African/African-American, 0.0013%; no homozygotes.

Submission:

Labcorp Genetics (formerly Invitae), Labcorp
Classification: Uncertain significance for Hermansky-Pudlak syndrome 2. Last evaluated: 2023-07-21. Review status: criteria provided, single submitter. Criteria: Invitae Variant Classification Sherloc (09022015). Collection method: clinical testing. Allele origin: germline.
Comment: This variant has not been reported in the literature in individuals affected with AP3B1-related conditions. This sequence change replaces isoleucine, which is neutral and non-polar, with valine, which is neutral and non-polar, at codon 1072 of the AP3B1 protein (p.Ile1072Val). This variant is present in population databases (rs760735640, gnomAD 0.002%). ClinVar contains an entry for this variant (Variation ID: 1057159). An algorithm developed to predict the effect of missense changes on protein structure and function (PolyPhen-2) suggests that this variant¬†is likely to be tolerated. In summary, the available evidence is currently insufficient to determine the role of this variant in disease. Therefore, it has been classified as a Variant of Uncertain Significance.